The following is an entry in ClinVar:

NM_000350.3(ABCA4):c.4539+2065C>G

Gene: ABCA4 (ATP binding cassette subfamily A member 4; minus strand). Cytogenetic location: 1p22.1.
Variant type: single nucleotide variant.
Coding change: c.4539+2065C>G on transcript NM_000350.3 (MANE Select); 2065 bases into the intron after coding-DNA position 4539, C replaced by G.
Molecular consequence: intron variant.
Genome position (GRCh38, 1-based): chr1:94,027,380, G>C on the plus strand (C>G on the coding strand, the complement: ABCA4 is on the minus strand). VCF-style: chr1-94027380-G-C. GRCh37 (hg19) VCF-style: chr1-94492936-G-C.
Identifiers: ClinVar variation 2907283 (VCV002907283.3), dbSNP rs2523715237, ClinGen allele CA2586966869.

ClinVar aggregate classification (germline): Likely pathogenic (1 of 4 stars; one submission).

Submission:

Labcorp Genetics (formerly Invitae), Labcorp
Classification: Likely pathogenic. Last evaluated: 2022-12-16. Review status: criteria provided, single submitter. Criteria: Invitae Variant Classification Sherloc (09022015). Collection method: clinical testing. Allele origin: germline.
Comment: This sequence change falls in intron 30 of the ABCA4 gene. It does not directly change the encoded amino acid sequence of the ABCA4 protein. In summary, the currently available evidence indicates that the variant is pathogenic, but additional data are needed to prove that conclusively. Therefore, this variant has been classified as Likely Pathogenic. Studies have shown that this variant alters mRNA splicing and is expected to lead to the loss of protein expression (PMID: 31212395, 33924840). This variant has been observed in individual(s) with Stargardt Disease (PMID: 31212395, 33924840). In at least one individual the data is consistent with being in trans (on the opposite chromosome) from a pathogenic variant. This variant is not present in population databases (gnomAD no frequency).

Literature cited by the submitters: PubMed 31212395; PubMed 33924840.